The following is an entry in ClinVar:

NM_000070.3(CAPN3):c.481G>A (p.Gly161Arg)

Genes: CAPN3 (calpain 3; plus strand), LOC126862115 (BRD4-independent group 4 enhancer GRCh37_chr15:42677734-42678933; plus strand). Cytogenetic location: 15q15.1.
Variant type: single nucleotide variant.
Coding change: c.481G>A on transcript NM_000070.3 (MANE Select); coding-DNA position 481, G replaced by A.
Protein change: p.Gly161Arg; replaces glycine 161 with arginine.
Molecular consequence: missense variant.
Genome position (GRCh38, 1-based): chr15:42,386,268, G>A. VCF-style: chr15-42386268-G-A. GRCh37 (hg19) VCF-style: chr15-42678466-G-A.
Other names: c.481G>A, p.Gly161Arg (NM_024344.2, NM_173087.2); short protein forms G161R.
Identifiers: ClinVar variation 623867 (VCV000623867.48), dbSNP rs1566974488, ClinGen allele CA391997681.

ClinVar aggregate classification (germline): Uncertain significance. Review status: criteria provided, multiple submitters, no conflicts (2 of 4 stars). 2 submissions from 2 submitters: Uncertain significance (2). Last evaluated 2024-05-20.

Conditions:
Autosomal recessive limb-girdle muscular dystrophy type 2A (LGMDR1). Also called: Calpainopathy; Muscular dystrophy, limb-girdle, type 2A, Amish; LEYDEN-MOEBIUS MUSCULAR DYSTROPHY; MUSCULAR DYSTROPHY, PELVOFEMORAL; Limb-girdle muscular dystrophy, type 2A. Identifiers: Orphanet 267, MedGen C1869123, MONDO:0009675, OMIM 253600. Disease mechanism: loss of function.

Submissions (2):

Labcorp Genetics (formerly Invitae), Labcorp
Classification: Uncertain significance for Autosomal recessive limb-girdle muscular dystrophy type 2A. Last evaluated: 2024-05-20. Review status: criteria provided, single submitter. Criteria: Invitae Variant Classification Sherloc (09022015). Collection method: clinical testing. Allele origin: germline.
Comment: This sequence change replaces glycine, which is neutral and non-polar, with arginine, which is basic and polar, at codon 161 of the CAPN3 protein (p.Gly161Arg). This variant is not present in population databases (gnomAD no frequency). This missense change has been observed in individual(s) with clinical features of limb-girdle muscular dystrophy (PMID: 34720847; Invitae). ClinVar contains an entry for this variant (Variation ID: 623867). Advanced modeling of protein sequence and biophysical properties (such as structural, functional, and spatial information, amino acid conservation, physicochemical variation, residue mobility, and thermodynamic stability) performed at Invitae indicates that this missense variant is expected to disrupt CAPN3 protein function with a positive predictive value of 80%. In summary, the available evidence is currently insufficient to determine the role of this variant in disease. Therefore, it has been classified as a Variant of Uncertain Significance.

CeGaT Center for Human Genetics Tuebingen
Classification: Uncertain significance. Last evaluated: 2018-09-01. Review status: criteria provided, single submitter. Criteria: CeGaT Center For Human Genetics Tuebingen Variant Classification Criteria Version 2. Collection method: clinical testing. Allele origin: germline. Affected: yes. Observed: 1 variant allele.

Literature cited by the submitters: PubMed 34720847 (cited by Labcorp Genetics (formerly Invitae), Labcorp).